The following is an entry in ClinVar:

ClinVar aggregate classification (germline): Pathogenic (1 of 4 stars; one submission).

Submission:

GeneDx
Classification: Pathogenic. Last evaluated: 2015-08-14. Review status: criteria provided, single submitter. Criteria: GeneDx Variant Classification (06012015). Collection method: clinical testing. Allele origin: germline. Affected: yes.
Comment: This variant is denoted BRCA1 c.189A>T at the cDNA level, p.Leu63Phe (L63F) at the protein level, and results in the change of a Leucine to a Phenylalanine (TTA>TTT). Using alternate nomenclature, this variant would be defined as BRCA1 308A>T. This variant has been observed in at least one individual with breast and/or ovarian cancer and a child with B-cell acute lymphoblastic leukemia (Brzovic 2001, Zhang 2015). Additionally, BRCA1 Leu63Phe has been shown to disrupt ubiquitin ligase activity of the BRCA1/BARD1 heterodimer and to impair the ability of BRCA1 to repress ER-alpha activity compared to the wild-type controls (Brzovic 2003, Ma 2005, Morris 2006). BRCA1 Leu63Phe was not observed at a significant allele frequency in large population cohorts (Lek 2016). This variant is located in the RING finger and ubiquitination site within the RING domain and interacts with multiple proteins (Wu 1996, Narod 2004, Borg 2010, Harte 2010, Paul 2014). In silico analysis, which includes protein predictors and evolutionary conservation, supports a deleterious effect. Based on currently available evidence, it is unclear whether BRCA1 Leu63Phe is a pathogenic or benign variant. We consider it to be a variant of uncertain significance.

NM_000179.3(MSH6):c.1998_1999del (p.Asp667fs)

Gene: MSH6 (mutS homolog 6; plus strand). Cytogenetic location: 2p16.3.
Variant type: Deletion.
Coding change: c.1998_1999del on transcript NM_000179.3 (MANE Select); coding-DNA positions 1998 to 1999, 2 bases deleted (TG; older notation c.1998_1999delTG).
Protein change: p.Asp667fs; shifts the reading frame from aspartic acid 667.
Molecular consequence: frameshift variant.
Genome position (GRCh38, 1-based): chr2:47,799,981-47,799,982, TG deleted. VCF-style (leftmost placement, unchanged base first): chr2-47799980-CTG-C. GRCh37 (hg19) VCF-style: chr2-48027119-CTG-C.
Other names: c.1608_1609del, p.Asp537fs (NM_001281492.2); c.1092_1093del, p.Asp365fs (NM_001281493.2, NM_001281494.2); c.1998_1999delTG (NM_000179.2); short protein forms D537fs, D667fs, D365fs.
Identifiers: ClinVar variation 419665 (VCV000419665.2), dbSNP rs1064794028, ClinGen allele CA16617663.